The following is an entry in ClinVar:

ClinVar aggregate classification (germline): Uncertain significance (1 of 4 stars; one submission).

Conditions:
Autosomal recessive limb-girdle muscular dystrophy type R18 (LGMDR18). Also called: Limb-girdle muscular dystrophy, type 2S; Autosomal recessive limb-girdle muscular dystrophy type 2S; MUSCULAR DYSTROPHY, LIMB-GIRDLE, AUTOSOMAL RECESSIVE 18. Identifiers: Orphanet 369840, MedGen C4517996, MONDO:0014144, OMIM 615356.

Allele frequency attached by ClinVar (database versions not stated): ESP Exome Variant Server 0.00008.
gnomAD v4.1: 5 of 1,610,908 alleles (0.00031%); highest among the groups gnomAD compares: African/African-American, 0.0027%; no homozygotes.

Submission:

Labcorp Genetics (formerly Invitae), Labcorp
Classification: Uncertain significance for Autosomal recessive limb-girdle muscular dystrophy type R18. Last evaluated: 2022-06-13. Review status: criteria provided, single submitter. Criteria: Invitae Variant Classification Sherloc (09022015). Collection method: clinical testing. Allele origin: germline.
Comment: This sequence change replaces histidine, which is basic and polar, with glutamine, which is neutral and polar, at codon 285 of the TRAPPC11 protein (p.His285Gln). This variant is not present in population databases (gnomAD no frequency). This variant has not been reported in the literature in individuals affected with TRAPPC11-related conditions. ClinVar contains an entry for this variant (Variation ID: 1036393). Algorithms developed to predict the effect of missense changes on protein structure and function are either unavailable or do not agree on the potential impact of this missense change (SIFT: "Tolerated"; PolyPhen-2: "Possibly Damaging"; Align-GVGD: "Class C0"). In summary, the available evidence is currently insufficient to determine the role of this variant in disease. Therefore, it has been classified as a Variant of Uncertain Significance.

NM_021942.6(TRAPPC11):c.855C>A (p.His285Gln)

Gene: TRAPPC11 (trafficking protein particle complex subunit 11; plus strand). Cytogenetic location: 4q35.1.
Variant type: single nucleotide variant.
Coding change: c.855C>A on transcript NM_021942.6 (MANE Select); coding-DNA position 855, C replaced by A.
Protein change: p.His285Gln; replaces histidine 285 with glutamine.
Molecular consequence: missense variant.
Genome position (GRCh38, 1-based): chr4:183,679,376, C>A. VCF-style: chr4-183679376-C-A. GRCh37 (hg19) VCF-style: chr4-184600529-C-A.
Other names: c.855C>A, p.His285Gln (NM_199053.3); short protein forms H285Q.
Identifiers: ClinVar variation 1036393 (VCV001036393.6), dbSNP rs139419771, ClinGen allele CA111845670.